The following is an entry in ClinVar:

ClinVar aggregate classification (germline): Uncertain significance (1 of 4 stars; one submission).

gnomAD v4.1: 1 of 1,614,126 alleles (0.000062%); highest among the groups gnomAD compares: South Asian, 0.0011%; no homozygotes.

Submission:

Ambry Genetics
Classification: Uncertain significance. Last evaluated: 2026-02-25. Review status: criteria provided, single submitter. Criteria: Ambry Variant Classification Scheme 2023. Collection method: clinical testing. Allele origin: germline.
Comment: The p.W241C variant (also known as c.723G>T), located in coding exon 6 of the RINT1 gene, results from a G to T substitution at nucleotide position 723. The tryptophan at codon 241 is replaced by cysteine, an amino acid with highly dissimilar properties. This amino acid position is conserved. In addition, this alteration is predicted to be deleterious by in silico analysis. Based on the available evidence, the clinical significance of this variant remains unclear.

NM_021930.6(RINT1):c.723G>T (p.Trp241Cys)

Gene: RINT1 (RAD50 interactor 1; plus strand). Cytogenetic location: 7q22.3.
Variant type: single nucleotide variant.
Coding change: c.723G>T on transcript NM_021930.6 (MANE Select); coding-DNA position 723, G replaced by T.
Protein change: p.Trp241Cys; replaces tryptophan 241 with cysteine.
Molecular consequence: missense variant. On other transcripts: 5 prime UTR variant (2), non-coding transcript variant (1), intron variant (1).
Genome position (GRCh38, 1-based): chr7:105,547,217, G>T. VCF-style: chr7-105547217-G-T. GRCh37 (hg19) VCF-style: chr7-105187664-G-T.
Other names: c.489G>T, p.Trp163Cys (NM_001346599.2); c.-297G>T (NM_001346600.2); c.-200G>T (NM_001346601.2); c.-27-2838G>T (NM_001346603.2); short protein forms W163C, W241C.
Identifiers: ClinVar variation 4825982 (VCV004825982.1).